The following is an entry in ClinVar:

ClinVar aggregate classification (germline): Uncertain significance. Review status: criteria provided, multiple submitters, no conflicts (2 of 4 stars). 2 submissions from 2 submitters: Uncertain significance (2). Last evaluated 2024-11-10.

Conditions:
Inborn genetic diseases. Identifiers: MedGen C0950123, MeSH D030342.
Short-rib thoracic dysplasia 6 with or without polydactyly (SRTD6). Also called: SHORT RIB-POLYDACTYLY SYNDROME, TYPE IIA; Majewski Syndrome; SHORT-RIB THORACIC DYSPLASIA 6 WITHOUT POLYDACTYLY; SHORT-RIB THORACIC DYSPLASIA 6 WITH POLYDACTYLY; POLYDACTYLY WITH NEONATAL CHONDRODYSTROPHY, TYPE II. Identifiers: MedGen C0024507, MONDO:0009894, OMIM 263520.

Allele frequency attached by ClinVar (database versions not stated): gnomAD exomes below 0.00001.
gnomAD v4.1: 1 of 1,599,342 alleles (0.000063%); highest among the groups gnomAD compares: Non-Finnish European, 0.000085%; no homozygotes.

Submissions (2):

Ambry Genetics
Classification: Uncertain significance for Inborn genetic diseases. Last evaluated: 2024-11-10. Review status: criteria provided, single submitter. Criteria: Ambry Variant Classification Scheme 2023. Collection method: clinical testing. Allele origin: germline.

Labcorp Genetics (formerly Invitae), Labcorp
Classification: Uncertain significance for Short-rib thoracic dysplasia 6 with or without polydactyly. Last evaluated: 2020-12-04. Review status: criteria provided, single submitter. Criteria: Invitae Variant Classification Sherloc (09022015). Collection method: clinical testing. Allele origin: germline.
Comment: This sequence change replaces glutamine with lysine at codon 622 of the NEK1 protein (p.Gln622Lys). The glutamine residue is highly conserved and there is a small physicochemical difference between glutamine and lysine. This variant is not present in population databases (ExAC no frequency). This variant has not been reported in the literature in individuals with NEK1-related conditions. Advanced modeling of protein sequence and biophysical properties (such as structural, functional, and spatial information, amino acid conservation, physicochemical variation, residue mobility, and thermodynamic stability) performed at Invitae indicates that this missense variant is not expected to disrupt NEK1 protein function. In summary, the available evidence is currently insufficient to determine the role of this variant in disease. Therefore, it has been classified as a Variant of Uncertain Significance.

NM_001199397.3(NEK1):c.1948C>A (p.Gln650Lys)

Gene: NEK1 (NIMA related kinase 1; minus strand). Cytogenetic location: 4q33.
Variant type: single nucleotide variant.
Coding change: c.1948C>A on transcript NM_001199397.3 (MANE Select); coding-DNA position 1948, C replaced by A.
Protein change: p.Gln650Lys; replaces glutamine 650 with lysine.
Molecular consequence: missense variant. On other transcripts: non-coding transcript variant (1), intron variant (1).
Genome position (GRCh38, 1-based): chr4:169,507,096, G>T on the plus strand (C>A on the coding strand, the complement: NEK1 is on the minus strand). VCF-style: chr4-169507096-G-T. GRCh37 (hg19) VCF-style: chr4-170428247-G-T.
Other names: c.1864C>A (NM_012224.2); c.1816C>A, p.Gln606Lys (NM_001199398.3); c.1657C>A, p.Gln553Lys (NM_001199399.3); c.1732C>A, p.Gln578Lys (NM_001199400.3); c.1948C>A, p.Gln650Lys (NM_001374418.1); c.1864C>A, p.Gln622Lys (NM_001374419.1, NM_012224.4); c.1813C>A, p.Gln605Lys (NM_001374420.1); c.1701+619C>A (NM_001374421.1); short protein forms Q553K, Q605K, Q606K, Q622K, Q578K, Q650K.
Identifiers: ClinVar variation 1437840 (VCV001437840.9), dbSNP rs1753405258, ClinGen allele CA358731365.
Genomic context (GRCh38, chr4:169,507,096, plus strand): 5'-CATGCTCTTCCCACACTTTTTTTTCTCTCTCATAAGCCTCCTTTCTCTTTCGTTCTAGTT[G>T]TTCTTTTAGTACAGCAGCACGTGCATTTGCATGGGCCTAAAAATAAAAACAATTAACAAA-3'
Protein context (NP_001186326.1, residues 640-660): ANARAAVLKE[Gln650Lys]LERKRKEAYE